The following is an entry in ClinVar:

NM_001042492.3(NF1):c.2252-2A>C

Gene: NF1 (neurofibromin 1; plus strand). Cytogenetic location: 17q11.2.
Variant type: single nucleotide variant.
Coding change: c.2252-2A>C on transcript NM_001042492.3 (MANE Select); the canonical splice acceptor site of the intron before coding-DNA position 2252, A replaced by C.
Molecular consequence: splice acceptor variant.
Genome position (GRCh38, 1-based): chr17:31,227,216, A>C. VCF-style: chr17-31227216-A-C. GRCh37 (hg19) VCF-style: chr17-29554234-A-C.
Other names: c.2252-2A>C (NM_000267.4).
Identifiers: ClinVar variation 547607 (VCV000547607.7), dbSNP rs1131691105, ClinGen allele CA398982649.
Genomic context (GRCh38, chr17:31,227,216, plus strand): 5'-GTTCTCCATTGGCAGGCAGGGCTCTAAGTGCAGTAACTTGATTTGCTGTTGTATTTGCTT[A>C]GGAAGAGCAGCACTTCAGAAAAGAGTGATGGCACTGCTGAGGCGCATTGAGCATCCCACT-3'

ClinVar aggregate classification (germline): Pathogenic. Review status: criteria provided, multiple submitters, no conflicts (2 of 4 stars). 3 submissions from 3 submitters: Pathogenic (3). Last evaluated 2025-10-26.

Conditions:
Neurofibromatosis, type 1 (NF1). Also called: NEUROFIBROMATOSIS, TYPE I, SOMATIC; VON RECKLINGHAUSEN DISEASE; Peripheral type neurofibromatosis; Neurofibromatosis, type I. Identifiers: Orphanet 636, MedGen C0027831, MONDO:0018975, OMIM 162200. Disease mechanism: loss of function.
Juvenile myelomonocytic leukemia (JMML). Also called: LEUKEMIA, JUVENILE MYELOMONOCYTIC, SOMATIC. Identifiers: Orphanet 86834, MedGen C0349639, MONDO:0011908, OMIM 607785, HP:0012209.

Submissions (3):

Labcorp Genetics (formerly Invitae), Labcorp
Classification: Pathogenic for Neurofibromatosis, type 1. Last evaluated: 2025-10-26. Review status: criteria provided, single submitter. Criteria: Invitae Variant Classification Sherloc (09022015). Collection method: clinical testing. Allele origin: germline.
Comment: This sequence change affects an acceptor splice site in intron 18 of the NF1 gene. It is expected to disrupt RNA splicing. Variants that disrupt the donor or acceptor splice site typically lead to a loss of protein function (PMID: 16199547), and loss-of-function variants in NF1 are known to be pathogenic (PMID: 10712197, 23913538). This variant is not present in population databases (gnomAD no frequency). Disruption of this splice site has been observed in individual(s) with neurofibromatosis type 1 (PMID: 12872266). ClinVar contains an entry for this variant (Variation ID: 547607). Algorithms developed to predict the effect of sequence changes on RNA splicing suggest that this variant may disrupt the consensus splice site. For these reasons, this variant has been classified as Pathogenic.

Baylor Genetics
Classification: Pathogenic for Juvenile myelomonocytic leukemia. Last evaluated: 2024-02-13. Review status: criteria provided, single submitter. Criteria: ACMG Guidelines, 2015. Collection method: clinical testing. Allele origin: unknown.

Center for Human Genetics, Inc
Classification: Pathogenic for Neurofibromatosis, type 1. Last evaluated: 2016-11-01. Review status: criteria provided, single submitter. Criteria: ACMG Guidelines, 2015. Collection method: clinical testing. Allele origin: germline. Affected: yes.

Literature cited by the submitters: PubMed 16199547 (cited by Labcorp Genetics (formerly Invitae), Labcorp); PubMed 10712197 (cited by Labcorp Genetics (formerly Invitae), Labcorp); PubMed 23913538 (cited by Labcorp Genetics (formerly Invitae), Labcorp); PubMed 12872266 (cited by Labcorp Genetics (formerly Invitae), Labcorp).